The following is an entry in ClinVar:

ClinVar aggregate classification (germline): Pathogenic. Review status: criteria provided, multiple submitters, no conflicts (2 of 4 stars). 10 submissions from 10 submitters: Pathogenic (10). Last evaluated 2026-05-07.

Conditions:
PNPO-related disorder. Also called: PNPO-related condition; PNPO-related disorders.
Inborn genetic diseases. Identifiers: MedGen C0950123, MeSH D030342.
Pyridoxal phosphate-responsive seizures (PNPOD). Also called: Pyridoxal 5'-Phosphate (PLP)-Dependent Epilepsy; EPILEPTIC ENCEPHALOPATHY, NEONATAL, PNPO-RELATED; Pyridoxamine 5-Prime-Phosphate Oxidase Deficiency; Pyridoxine-5'-phosphate oxidase deficiency; SEIZURES, PYRIDOXINE-RESISTANT, PLP-SENSITIVE. Identifiers: Orphanet 79096, MedGen C1864723, MONDO:0012407, OMIM 610090. Disease mechanism: loss of function.

Allele frequency attached by ClinVar (database versions not stated): TOPMed 0.00010; gnomAD exomes 0.00011 and 0.00024; gnomAD 0.00012 and 0.00013; ESP Exome Variant Server 0.00015; ExAC 0.00023.

Submissions (10):

Ambry Genetics
Classification: Pathogenic for Inborn genetic diseases. Last evaluated: 2026-05-07. Review status: criteria provided, single submitter. Criteria: Ambry Variant Classification Scheme 2023. Collection method: clinical testing. Allele origin: germline.
Comment: The c.98A>T (p.D33V) alteration is located in exon 1 (coding exon 1) of the PNPO gene. This alteration results from a A to T substitution at nucleotide position 98, causing the aspartic acid (D) at amino acid position 33 to be replaced by a valine (V). Based on data from gnomAD, the T allele has an overall frequency of 0.01% (21/209904) total alleles studied. The highest observed frequency was 0.02% (4/19692) of European (Finnish) alleles. This variant has been identified in the homozygous state and/or in conjunction with other PNPO variant(s) in individual(s) with features consistent with Pyridoxamine 5'-phosphate oxidase deficiency; in at least one instance, the variants were identified in trans (Hoffmann, 2007; Schmitt, 2010; Goyal, 2013; Mills, 2014; M&oslash;ller, 2016) . This amino acid position is highly conserved in available vertebrate species. This alteration is predicted to be deleterious by in silico analysis. Based on the available evidence, this alteration is classified as pathogenic.

Labcorp Genetics (formerly Invitae), Labcorp
Classification: Pathogenic for Pyridoxal phosphate-responsive seizures. Last evaluated: 2025-12-19. Review status: criteria provided, single submitter. Criteria: Invitae Variant Classification Sherloc (09022015). Collection method: clinical testing. Allele origin: germline.
Comment: This sequence change replaces aspartic acid, which is acidic and polar, with valine, which is neutral and non-polar, at codon 33 of the PNPO protein (p.Asp33Val). This variant is present in population databases (rs370243877, gnomAD 0.02%). This missense change has been observed in individual(s) with pyridoxal 5'-phosphate-dependent epilepsy or neonatal onset epilepsy (PMID: 20370816, 23419474, 24645144, 25256445, 27781031). ClinVar contains an entry for this variant (Variation ID: 206458). An algorithm developed to predict the effect of missense changes on protein structure and function (PolyPhen-2) suggests that this variant is likely to be disruptive. Experimental studies have shown that this missense change affects PNPO function (PMID: 24645144). For these reasons, this variant has been classified as Pathogenic.

CeGaT Center for Human Genetics Tuebingen
Classification: Pathogenic. Last evaluated: 2025-06-01. Review status: criteria provided, single submitter. Criteria: CeGaT Center For Human Genetics Tuebingen Variant Classification Criteria Version 2. Collection method: clinical testing. Allele origin: germline. Affected: yes. Observed: 1 variant allele.
Comment: PNPO: PM3:Very Strong, PM2, PP3, PS3:Supporting

Victorian Clinical Genetics Services, Murdoch Childrens Research Institute
Classification: Pathogenic for Pyridoxal phosphate-responsive seizures. Last evaluated: 2024-10-09. Review status: criteria provided, single submitter. Criteria: ACMG Guidelines, 2015. Collection method: clinical testing. Allele origin: germline. Inheritance: Autosomal recessive inheritance. Affected: yes.
Comment: Updated: Based on the classification scheme VCGS_Germline_v1.3.4, this variant is classified as Pathogenic. Following criteria are met: 0102 - Loss of function is a known mechanism of disease in this gene and is associated with pyridoxamine 5'-phosphate oxidase deficiency (MIM#610090). (I) 0106 - This gene is associated with autosomal recessive disease. (I) 0115 - Variants in this gene are known to have variable expressivity (OMIM). (I) 0200 - Variant is predicted to result in a missense amino acid change from aspartic acid to valine. (I) 0251 - This variant is heterozygous. (I) 0304 - Variant is present in gnomAD (v2) <0.01 for a recessive condition (21 heterozygotes, 0 homozygotes). (SP) 0501 - Missense variant consistently predicted to be damaging by multiple in silico tools or highly conserved with a major amino acid change. (SP) 0604 - Variant is not located in an established domain, motif, hotspot or informative constraint region. (I) 0801 - This variant has strong previous evidence of pathogenicity in unrelated individuals. This variant has been reported as pathogenic in ClinVar and in multiple unrelated individuals with pyridoxine phosphate oxidase deficiency (PNPO; PMIDs: 20370816, 23419474, 24645144, 27781031). (I) Legend: (SP) - Supporting pathogenic, (I) - Information, (SB) - Supporting benign

Blueprint Genetics
Classification: Pathogenic for PNPO-related disorders. Last evaluated: 2024-07-29. Review status: criteria provided, single submitter. Criteria: ACMG Guidelines, 2015. Collection method: clinical testing. Allele origin: germline. Affected: yes. Observed: 5 variant alleles.

Fulgent Genetics
Classification: Pathogenic for Pyridoxal phosphate-responsive seizures. Last evaluated: 2024-04-11. Review status: criteria provided, single submitter. Criteria: ACMG Guidelines, 2015. Collection method: clinical testing. Allele origin: germline.

Women's Health and Genetics/Laboratory Corporation of America, LabCorp
Classification: Pathogenic for Pyridoxal phosphate-responsive seizures. Last evaluated: 2022-03-10. Review status: criteria provided, single submitter. Criteria: LabCorp Variant Classification Summary - May 2015. Collection method: clinical testing. Allele origin: germline.
Comment: Variant summary: PNPO c.98A>T (p.Asp33Val) results in a non-conservative amino acid change in the encoded protein sequence. Five of five in-silico tools predict a damaging effect of the variant on protein function. The variant allele was found at a frequency of 0.00011 in 178538 control chromosomes. This frequency is not significantly higher than expected for a pathogenic variant in PNPO causing Pyridoxal 5'-Phosphate-Dependent Epilepsy (0.00011 vs 0.0011), allowing no conclusion about variant significance. c.98A>T has been reported in the literature as homozygous and compound heterozygous genotypes in multiple individuals affected with and/or undergoing genetic evaluation for pyridoxine phosphate oxidase deficiency (PNPO) and/or epilepsy (example, Schmitt_2010, Goyal_2013, Sudarsanam_2014, Mills_2014, Moller_2016). These data indicate that the variant is very likely to be associated with disease. At least one publication reports experimental evidence evaluating an impact on protein function (example, Mills_2014). The most pronounced variant effect results in 44% of normal PNPO activity. Four clinical diagnostic laboratories have submitted clinical-significance assessments for this variant to ClinVar after 2014 without evidence for independent evaluation. All laboratories classified the variant as pathogenic. Based on the evidence outlined above, the variant was classified as pathogenic.

GeneDx
Classification: Pathogenic. Last evaluated: 2021-12-09. Review status: criteria provided, single submitter. Criteria: GeneDx Variant Classification Process June 2021. Collection method: clinical testing. Allele origin: germline. Affected: yes.
Comment: Published functional studies demonstrate reduced enzyme activity (Mills et al., 2014); In silico analysis supports that this missense variant has a deleterious effect on protein structure/function; This variant is associated with the following publications: (PMID: 26303608, 21292558, 23419474, 20370816, 17216302, 26821542, 27781031, 25762494, 24645144, 25256445, 34313030, Chi2021[functionalstudy], 32888189, 33981986, 34769443)

Illumina Laboratory Services, Illumina
Classification: Pathogenic for Pyridoxal phosphate-responsive seizures. Last evaluated: 2017-08-25. Review status: criteria provided, single submitter. Criteria: ICSL Variant Classification Criteria 09 May 2019. Collection method: clinical testing. Allele origin: germline.
Comment: The PNPO c.98A>T (p.Asp33Val) variant has been reported in four studies and is found in a total of eight patients including three in a homozygous state and five in a compound heterozygous state (Schmitt et al. 2010; Goyal et al. 2013; Mills et al. 2014; Moller et al. 2016). All individuals with the p.Asp33Val variant were identified as having pyridoxamine 5-prime-phosphate oxidase (PNPO) deficiency, and one patient was also diagnosed with West syndrome (Moller et al. 2016). One of the compound heterozygous individuals carried a complex allele, however the third variant was determined to be a polymophism (Mills et al. 2014). Control data are unavailable for this variant, which is reported at a frequency of 0.000451 in the European (non-Finnish) population of the Exome Aggregation Consortium. When expressed in HeLa cells, the p.Asp33Val variant protein exhibited a 55% reduction in PNPO activity compared to wildtype (Mills et al. 2004). Based on the evidence, the p.Asp33Val variant is classified as pathogenic for pyridoxamine 5-prime-phosphate oxidase deficiency. This variant was observed by ICSL as part of a predisposition screen in an ostensibly healthy population.

Genetic Services Laboratory, University of Chicago
Classification: Pathogenic. Last evaluated: 2017-07-11. Review status: criteria provided, single submitter. Criteria: ACMG Guidelines, 2015. Collection method: clinical testing. Allele origin: germline. Affected: yes.

Literature cited by the submitters: PubMed 17216302 (cited by Ambry Genetics); PubMed 20370816 (cited by 5 submitters); PubMed 23419474 (cited by 5 submitters); PubMed 24645144 (cited by 5 submitters); PubMed 27781031 (cited by 5 submitters); PubMed 25256445 (cited by Labcorp Genetics (formerly Invitae), Labcorp and Women's Health and Genetics/Laboratory Corporation of America, LabCorp).

NM_018129.4(PNPO):c.98A>T (p.Asp33Val)

Gene: PNPO (pyridoxamine 5'-phosphate oxidase; plus strand). Cytogenetic location: 17q21.32.
Variant type: single nucleotide variant.
Coding change: c.98A>T on transcript NM_018129.4 (MANE Select); coding-DNA position 98, A replaced by T.
Protein change: p.Asp33Val; replaces aspartic acid 33 with valine.
Molecular consequence: missense variant.
Genome position (GRCh38, 1-based): chr17:47,941,773, A>T. VCF-style: chr17-47941773-A-T. GRCh37 (hg19) VCF-style: chr17-46019139-A-T.
Other names: p.D33V:GAC>GTC; short protein forms D33V.
Identifiers: ClinVar variation 206458 (VCV000206458.42), dbSNP rs370243877, ClinGen allele CA316580.